The following is an entry in ClinVar:

ClinVar aggregate classification (germline): Uncertain significance (1 of 4 stars; one submission).

Conditions:
Melnick-Needles syndrome (MNS). Also called: MELNICK-NEEDLES OSTEODYSPLASTY; OSTEODYSPLASTY OF MELNICK AND NEEDLES; Melnick-Needles Syndrome (FLNA-MNS). Identifiers: Orphanet 2484, MedGen C0025237, MONDO:0010650, OMIM 309350.
Frontometaphyseal dysplasia (FMD1). Identifiers: Orphanet 1826, MedGen C0265293, MONDO:0015942.
Heterotopia, periventricular, X-linked dominant (PVNH1). Also called: PERIVENTRICULAR NODULAR HETEROTOPIA 1; X-linked periventricular heterotopia; PERIVENTRICULAR NODULAR HETEROTOPIA 4; HETEROTOPIA, PERIVENTRICULAR, 1. Identifiers: Orphanet 2149, Orphanet 82004, MedGen C1848213, MONDO:0010233, OMIM 300049.
Oto-palato-digital syndrome, type II (OPD2). Also called: FACIOPALATOOSSEOUS SYNDROME; OPD II SYNDROME; Otopalatodigital Syndrome, Type II; Otopalatodigital Syndrome Type 2 (FLNA-OPD2). Identifiers: Orphanet 669, Orphanet 90652, MedGen C1844696, MONDO:0010571, OMIM 304120.

Submission:

Labcorp Genetics (formerly Invitae), Labcorp
Classification: Uncertain significance for Oto-palato-digital syndrome, type II; Heterotopia, periventricular, X-linked dominant; Frontometaphyseal dysplasia; Melnick-Needles syndrome. Last evaluated: 2024-10-13. Review status: criteria provided, single submitter. Criteria: Invitae Variant Classification Sherloc (09022015). Collection method: clinical testing. Allele origin: germline.
Comment: This sequence change replaces glycine, which is neutral and non-polar, with aspartic acid, which is acidic and polar, at codon 2322 of the FLNA protein (p.Gly2322Asp). This variant is not present in population databases (gnomAD no frequency). This variant has not been reported in the literature in individuals affected with FLNA-related conditions. Invitae Evidence Modeling of protein sequence and biophysical properties (such as structural, functional, and spatial information, amino acid conservation, physicochemical variation, residue mobility, and thermodynamic stability) indicates that this missense variant is not expected to disrupt FLNA protein function with a negative predictive value of 95%. In summary, the available evidence is currently insufficient to determine the role of this variant in disease. Therefore, it has been classified as a Variant of Uncertain Significance.

NM_001110556.2(FLNA):c.6989G>A (p.Gly2330Asp)

Gene: FLNA (filamin A; minus strand). Cytogenetic location: Xq28.
Variant type: single nucleotide variant.
Coding change: c.6989G>A on transcript NM_001110556.2 (MANE Select); coding-DNA position 6989, G replaced by A.
Protein change: p.Gly2330Asp; replaces glycine 2330 with aspartic acid.
Molecular consequence: missense variant.
Genome position (GRCh38, 1-based): chrX:154,351,615, C>T on the plus strand (G>A on the coding strand, the complement: FLNA is on the minus strand). VCF-style: chrX-154351615-C-T. GRCh37 (hg19) VCF-style: chrX-153579983-C-T.
Other names: c.6965G>A, p.Gly2322Asp (NM_001456.4); short protein forms G2322D, G2330D.
Identifiers: ClinVar variation 3753968 (VCV003753968.2).